The following is an entry in ClinVar:

ClinVar aggregate classification (germline): Uncertain significance (1 of 4 stars; one submission).

Conditions:
Metachromatic leukodystrophy (MLD). Also called: METACHROMATIC LEUKOENCEPHALOPATHY; Arylsulfatase A Deficiency; SULFATIDE LIPIDOSIS; ARSA DEFICIENCY; CEREBROSIDE SULFATASE DEFICIENCY; Cerebral sclerosis diffuse metachromatic form. Identifiers: Orphanet 512, MedGen C0023522, MONDO:0018868, OMIM 250100.

gnomAD v4.1: 1 of 1,603,024 alleles (0.000062%); highest among the groups gnomAD compares: Non-Finnish European, 0.000085%; no homozygotes.

Submission:

Labcorp Genetics (formerly Invitae), Labcorp
Classification: Uncertain significance for Metachromatic leukodystrophy. Last evaluated: 2022-05-08. Review status: criteria provided, single submitter. Criteria: Invitae Variant Classification Sherloc (09022015). Collection method: clinical testing. Allele origin: germline.
Comment: Algorithms developed to predict the effect of missense changes on protein structure and function are either unavailable or do not agree on the potential impact of this missense change (SIFT: "Deleterious"; PolyPhen-2: "Possibly Damaging"; Align-GVGD: "Class C15"). In summary, the available evidence is currently insufficient to determine the role of this variant in disease. Therefore, it has been classified as a Variant of Uncertain Significance. This variant has not been reported in the literature in individuals affected with ARSA-related conditions. This sequence change replaces aspartic acid, which is acidic and polar, with asparagine, which is neutral and polar, at codon 432 of the ARSA protein (p.Asp432Asn). This variant is not present in population databases (gnomAD no frequency).

NM_000487.6(ARSA):c.1294G>A (p.Asp432Asn)

Gene: ARSA (arylsulfatase A; minus strand). Cytogenetic location: 22q13.33.
Variant type: single nucleotide variant.
Coding change: c.1294G>A on transcript NM_000487.6 (MANE Select); coding-DNA position 1294, G replaced by A.
Protein change: p.Asp432Asn; replaces aspartic acid 432 with asparagine.
Molecular consequence: missense variant.
Genome position (GRCh38, 1-based): chr22:50,625,381, C>T on the plus strand (G>A on the coding strand, the complement: ARSA is on the minus strand). VCF-style: chr22-50625381-C-T. GRCh37 (hg19) VCF-style: chr22-51063809-C-T.
Other names: c.1294G>A, p.Asp432Asn (NM_001085425.3, NM_001085426.3, NM_001085427.3); c.1036G>A, p.Asp346Asn (NM_001085428.3, NM_001362782.2); short protein forms D432N, D346N.
Identifiers: ClinVar variation 2135404 (VCV002135404.4), dbSNP rs74315267, ClinGen allele CA412168832.
Genomic context (GRCh38, chr22:50,625,381, plus strand): 5'-GGGTGGCCCCGGCCACACCCCCCAGCAGGTTGTAGTTCTCACCAGGGTCCTTGGACAGGT[C>T]ATAGAGCAGCGGGGGCTCATGAGCAGTCAGAGAGCTGGAGGCGTGGCAGGCAGGGTCTGC-3'
Protein context (NP_000478.3, residues 422-442): LTAHEPPLLY[Asp432Asn]LSKDPGENYN